The following is an entry in ClinVar:

ClinVar aggregate classification (germline): Uncertain significance (1 of 4 stars; one submission).

Conditions:
Inborn genetic diseases. Identifiers: MedGen C0950123, MeSH D030342.

Submission:

Ambry Genetics
Classification: Uncertain significance for Inborn genetic diseases. Last evaluated: 2026-07-01. Review status: criteria provided, single submitter. Criteria: Ambry Variant Classification Scheme 2023. Collection method: clinical testing. Allele origin: germline.
Comment: The p.P735A variant (also known as c.2203C>G), located in coding exon 17 of the BUB1B gene, results from a C to G substitution at nucleotide position 2203. The proline at codon 735 is replaced by alanine, an amino acid with highly similar properties. This amino acid position is conserved. In addition, this alteration is predicted to be tolerated by in silico analysis. Based on the available evidence, the clinical significance of this variant remains unclear.

NM_001211.6(BUB1B):c.2203C>G (p.Pro735Ala)

Gene: BUB1B (BUB1 mitotic checkpoint serine/threonine kinase B; plus strand). Cytogenetic location: 15q15.1.
Variant type: single nucleotide variant.
Coding change: c.2203C>G on transcript NM_001211.6 (MANE Select); coding-DNA position 2203, C replaced by G.
Protein change: p.Pro735Ala; replaces proline 735 with alanine.
Molecular consequence: missense variant.
Genome position (GRCh38, 1-based): chr15:40,209,694, C>G. VCF-style: chr15-40209694-C-G. GRCh37 (hg19) VCF-style: chr15-40501895-C-G.
Other names: short protein forms P735A.
Identifiers: ClinVar variation 5033508 (VCV005033508.1).